The following is an entry in ClinVar:

NM_001232.4(CASQ2):c.1175_1187del (p.Asp392fs)

Gene: CASQ2 (calsequestrin 2; minus strand). Cytogenetic location: 1p13.1.
Variant type: Deletion.
Coding change: c.1175_1187del on transcript NM_001232.4 (MANE Select); coding-DNA positions 1175 to 1187, 13 bases deleted (ACAGTGATGACGA).
Protein change: p.Asp392fs; shifts the reading frame from aspartic acid 392.
Molecular consequence: frameshift variant.
Genome position (GRCh38, 1-based): chr1:115,701,254-115,701,266, TCGTCATCACTGT deleted on the plus strand (ACAGTGATGACGA on the coding strand, the reverse complement: CASQ2 is on the minus strand). VCF-style (leftmost placement, unchanged base first): chr1-115701253-ATCGTCATCACTGT-A. GRCh37 (hg19) VCF-style: chr1-116243874-ATCGTCATCACTGT-A.
Other names: c.1175_1187delACAGTGATGACGA, p.Asp392Valfs (NM_001232.3); short protein forms D392fs.
Identifiers: ClinVar variation 3338342 (VCV003338342.1).

ClinVar aggregate classification (germline): Likely pathogenic (1 of 4 stars; one submission).

Conditions:
Catecholaminergic polymorphic ventricular tachycardia (CVPT). Also called: Catecholamine-induced polymorphic ventricular tachycardia. Identifiers: Orphanet 3286, MedGen C5574922, MONDO:0017990.

Submission:

Lildballe Lab, Aarhus University Hospital
Classification: Likely pathogenic for catecholaminergic polymorphic ventricular tachycardia. Last evaluated: 2024-03-01. Review status: criteria provided, single submitter. Criteria: ACMG Guidelines, 2015. Collection method: research. Allele origin: germline. Affected: yes.
Comment: PM2(sup), PVS1(s)

Literature cited by the submitters: PubMed 25741872; PubMed 39481677.